The following is an entry in ClinVar:

NM_006662.3(SRCAP):c.3701T>C (p.Leu1234Pro)

Gene: SRCAP (Snf2 related CREBBP activator protein; plus strand). Cytogenetic location: 16p11.2.
Variant type: single nucleotide variant.
Coding change: c.3701T>C on transcript NM_006662.3 (MANE Select); coding-DNA position 3701, T replaced by C.
Protein change: p.Leu1234Pro; replaces leucine 1234 with proline.
Molecular consequence: missense variant.
Genome position (GRCh38, 1-based): chr16:30,722,281, T>C. VCF-style: chr16-30722281-T-C. GRCh37 (hg19) VCF-style: chr16-30733602-T-C.
Other names: short protein forms L1234P.
Identifiers: ClinVar variation 3169840 (VCV003169840.4), dbSNP rs772299925, ClinGen allele CA8011541.

ClinVar aggregate classification (germline): Uncertain significance. Review status: criteria provided, multiple submitters, no conflicts (2 of 4 stars). 3 submissions from 3 submitters: Uncertain significance (3). Last evaluated 2024-11-22.

Conditions:
Floating-Harbor syndrome (FLHS). Also called: Short stature with delayed bone age, expressive language delay, a triangular face with a prominent nose and deep-set eyes; Pelletier-Leisti syndrome; SRCAP-Related Floating-Harbor Syndrome. Identifiers: Orphanet 2044, MedGen C0729582, MONDO:0007621, OMIM 136140.
Developmental delay, hypotonia, musculoskeletal defects, and behavioral abnormalities. Identifiers: MedGen C5562012, MONDO:0859202, OMIM 619595.
Inborn genetic diseases. Identifiers: MedGen C0950123, MeSH D030342.

Allele frequency attached by ClinVar (database versions not stated): gnomAD exomes 0.00001; ExAC 0.00002; TOPMed 0.00002; gnomAD 0.00003.
gnomAD v4.1: 11 of 1,613,394 alleles (0.00068%); highest among the groups gnomAD compares: African/African-American, 0.0067%; no homozygotes.

Submissions (3):

Labcorp Genetics (formerly Invitae), Labcorp
Classification: Uncertain significance. Last evaluated: 2024-11-22. Review status: criteria provided, single submitter. Criteria: Invitae Variant Classification Sherloc (09022015). Collection method: clinical testing. Allele origin: germline.
Comment: This sequence change replaces leucine, which is neutral and non-polar, with proline, which is neutral and non-polar, at codon 1234 of the SRCAP protein (p.Leu1234Pro). This variant is present in population databases (rs772299925, gnomAD 0.02%). This variant has not been reported in the literature in individuals affected with SRCAP-related conditions. ClinVar contains an entry for this variant (Variation ID: 3169840). Invitae Evidence Modeling of protein sequence and biophysical properties (such as structural, functional, and spatial information, amino acid conservation, physicochemical variation, residue mobility, and thermodynamic stability) indicates that this missense variant is not expected to disrupt SRCAP protein function with a negative predictive value of 80%. In summary, the available evidence is currently insufficient to determine the role of this variant in disease. Therefore, it has been classified as a Variant of Uncertain Significance.

Fulgent Genetics
Classification: Uncertain significance for Floating-Harbor syndrome; Developmental delay, hypotonia, musculoskeletal defects, and behavioral abnormalities. Last evaluated: 2024-06-05. Review status: criteria provided, single submitter. Criteria: ACMG Guidelines, 2015. Collection method: clinical testing. Allele origin: germline.

Ambry Genetics
Classification: Uncertain significance for Inborn genetic diseases. Last evaluated: 2023-10-25. Review status: criteria provided, single submitter. Criteria: Ambry Variant Classification Scheme 2023. Collection method: clinical testing. Allele origin: germline.